The following is an entry in ClinVar:

NM_001291303.3(FAT4):c.3091A>G (p.Ile1031Val)

Gene: FAT4 (FAT atypical cadherin 4; plus strand). Cytogenetic location: 4q28.1.
Variant type: single nucleotide variant.
Coding change: c.3091A>G on transcript NM_001291303.3 (MANE Select); coding-DNA position 3091, A replaced by G.
Protein change: p.Ile1031Val; replaces isoleucine 1031 with valine.
Molecular consequence: missense variant. On other transcripts: intron variant (1).
Genome position (GRCh38, 1-based): chr4:125,319,502, A>G. VCF-style: chr4-125319502-A-G. GRCh37 (hg19) VCF-style: chr4-126240657-A-G.
Other names: c.3091A>G, p.Ile1031Val (NM_001291285.3, NM_001438396.1, NM_001438397.1 and 1 more transcripts); c.-55+3525A>G (NM_001437895.1); short protein forms I1031V.
Identifiers: ClinVar variation 4871208 (VCV004871208.1).

ClinVar aggregate classification (germline): Uncertain significance (1 of 4 stars; one submission).

Conditions:
Inborn genetic diseases. Identifiers: MedGen C0950123, MeSH D030342.

gnomAD v4.1: 1 of 1,613,402 alleles (0.000062%); highest among the groups gnomAD compares: Non-Finnish European, 0.000085%; no homozygotes.

Submission:

Ambry Genetics
Classification: Uncertain significance for Inborn genetic diseases. Last evaluated: 2026-04-01. Review status: criteria provided, single submitter. Criteria: Ambry Variant Classification Scheme 2023. Collection method: clinical testing. Allele origin: germline.
Comment: The c.3091A>G (p.I1031V) alteration is located in exon 1 (coding exon 1) of the FAT4 gene. This alteration results from a A to G substitution at nucleotide position 3091, causing the isoleucine (I) at amino acid position 1031 to be replaced by a valine (V). Based on data from gnomAD, the G allele has an overall frequency of <0.001% (1/249420) total alleles studied. The highest observed frequency was 0.001% (1/113180) of European (non-Finnish) alleles. Based on insufficient or conflicting evidence, the clinical significance of this alteration remains unclear.